The following is an entry in ClinVar:

ClinVar aggregate classification (germline): Pathogenic (1 of 4 stars; one submission).

Conditions:
Intellectual developmental disorder, autosomal dominant 45. Also called: MENTAL RETARDATION, AUTOSOMAL DOMINANT 45; Intellectual disability, autosomal dominant 45. Identifiers: MedGen C4539848, MONDO:0030910, OMIM 617600.

Submission:

Department of Paediatrics at Addenbrookes, Cambridge University Hospitals NHS Foundation Trust (UK)
Classification: Pathogenic for Intellectual developmental disorder, autosomal dominant 45. Last evaluated: 2025-05-27. Review status: criteria provided, single submitter. Criteria: Durkie Uk Practice Guidelines For Variant Classification V12 2024 (1). Collection method: clinical testing. Allele origin: unknown.
Comment: PVS1_VeryStrong; PM2_Moderate

NM_001386298.1(CIC):c.6367C>T (p.Arg2123Ter)

Gene: CIC (capicua transcriptional repressor; plus strand). Cytogenetic location: 19q13.2.
Variant type: single nucleotide variant.
Coding change: c.6367C>T on transcript NM_001386298.1 (MANE Select); coding-DNA position 6367, C replaced by T.
Protein change: p.Arg2123Ter; replaces arginine 2123 with a stop codon.
Molecular consequence: nonsense.
Genome position (GRCh38, 1-based): chr19:42,293,126, C>T. VCF-style: chr19-42293126-C-T. GRCh37 (hg19) VCF-style: chr19-42797278-C-T.
Other names: c.6367C>T, p.Arg2123Ter (NM_001304815.2, NM_001379482.1, NM_001439183.1 and 2 more transcripts); c.6364C>T, p.Arg2122Ter (NM_001379480.1, NM_001439184.1, NM_001439185.1 and 1 more transcripts); c.3640C>T, p.Arg1214Ter (NM_001379484.1, NM_001379485.1, NM_001439190.1 and 1 more transcripts); c.3637C>T, p.Arg1213Ter (NM_001439189.1, NM_001439191.1); short protein forms R1213*, R1214*, R2122*, R2123*.
Identifiers: ClinVar variation 4279548 (VCV004279548.1).
Genomic context (GRCh38, chr19:42,293,126, plus strand): 5'-GCAGGTGCCTCTGGGCGGCCTGGCCCTGCACCCCGGCAGCCTCTGGAGCCTGGCCCAGTC[C>T]GAGAGCCAACTGCCCCAGAGTCTGAGCTTGAGGGGCAGCCCACACCACCAGCCCCTCCAC-3'